The following is an entry in ClinVar:

NM_001256715.2(DNAAF3):c.1075G>T (p.Val359Phe)

Genes: DNAAF3 (dynein axonemal assembly factor 3; minus strand), DNAAF3-AS1 (DNAAF3 antisense RNA 1; plus strand). Cytogenetic location: 19q13.42.
Variant type: single nucleotide variant.
Coding change: c.1075G>T on transcript NM_001256715.2 (MANE Select); coding-DNA position 1075, G replaced by T.
Protein change: p.Val359Phe; replaces valine 359 with phenylalanine.
Molecular consequence: missense variant.
Genome position (GRCh38, 1-based): chr19:55,159,987, C>A on the plus strand (G>T on the coding strand, the complement: DNAAF3 is on the minus strand). VCF-style: chr19-55159987-C-A. GRCh37 (hg19) VCF-style: chr19-55671355-C-A.
Other names: c.1276G>T, p.Val426Phe (NM_001256714.1); c.913G>T, p.Val305Phe (NM_001256716.2); c.1216G>T, p.Val406Phe (NM_178837.4); short protein forms V305F, V359F, V406F, V426F.
Identifiers: ClinVar variation 3368126 (VCV003368126.1).

ClinVar aggregate classification (germline): Uncertain significance (1 of 4 stars; one submission).

gnomAD v4.1: 2 of 1,501,150 alleles (0.00013%); highest among the groups gnomAD compares: African/African-American, 0.003%; no homozygotes.

Submission:

GeneDx
Classification: Uncertain significance. Last evaluated: 2024-01-23. Review status: criteria provided, single submitter. Criteria: GeneDx Variant Classification Process June 2021. Collection method: clinical testing. Allele origin: germline. Affected: yes.
Comment: Not observed at significant frequency in large population cohorts (gnomAD); In silico analysis supports that this missense variant has a deleterious effect on protein structure/function; Has not been previously published as pathogenic or benign to our knowledge